The following is an entry in ClinVar:

NM_001378452.1(ITPR1):c.6467C>T (p.Ser2156Phe)

Gene: ITPR1 (inositol 1,4,5-trisphosphate receptor type 1; plus strand). Cytogenetic location: 3p26.1.
Variant type: single nucleotide variant.
Coding change: c.6467C>T on transcript NM_001378452.1 (MANE Select); coding-DNA position 6467, C replaced by T.
Protein change: p.Ser2156Phe; replaces serine 2156 with phenylalanine.
Molecular consequence: missense variant.
Genome position (GRCh38, 1-based): chr3:4,782,698, C>T. VCF-style: chr3-4782698-C-T. GRCh37 (hg19) VCF-style: chr3-4824382-C-T.
Other names: c.6323C>T, p.Ser2108Phe (NM_001099952.4); c.6422C>T, p.Ser2141Phe (NM_001168272.2); c.6278C>T, p.Ser2093Phe (NM_002222.7); short protein forms S2093F, S2108F, S2141F, S2156F.
Identifiers: ClinVar variation 2013709 (VCV002013709.4), dbSNP rs2470084467, ClinGen allele CA351639442.

ClinVar aggregate classification (germline): Uncertain significance (1 of 4 stars; one submission).

Submission:

Labcorp Genetics (formerly Invitae), Labcorp
Classification: Uncertain significance. Last evaluated: 2022-11-14. Review status: criteria provided, single submitter. Criteria: Invitae Variant Classification Sherloc (09022015). Collection method: clinical testing. Allele origin: germline.
Comment: In summary, the available evidence is currently insufficient to determine the role of this variant in disease. Therefore, it has been classified as a Variant of Uncertain Significance. Advanced modeling of protein sequence and biophysical properties (such as structural, functional, and spatial information, amino acid conservation, physicochemical variation, residue mobility, and thermodynamic stability) has been performed at Invitae for this missense variant, however the output from this modeling did not meet the statistical confidence thresholds required to predict the impact of this variant on ITPR1 protein function. This variant has not been reported in the literature in individuals affected with ITPR1-related conditions. This variant is not present in population databases (gnomAD no frequency). This sequence change replaces serine, which is neutral and polar, with phenylalanine, which is neutral and non-polar, at codon 2093 of the ITPR1 protein (p.Ser2093Phe).